The following is an entry in ClinVar:

NM_001267550.2(TTN):c.71365del (p.Thr23789fs)

Genes: TTN (titin; minus strand), TTN-AS1 (TTN antisense RNA 1; plus strand). Cytogenetic location: 2q31.2.
Variant type: Deletion.
Coding change: c.71365del on transcript NM_001267550.2 (MANE Select); coding-DNA position 71365, one base deleted (A; older notation c.71365delA).
Protein change: p.Thr23789fs; shifts the reading frame from threonine 23789.
Molecular consequence: frameshift variant.
Genome position (GRCh38, 1-based): chr2:178,574,767, T deleted on the plus strand (A on the coding strand, the reverse complement: TTN is on the minus strand). VCF-style (leftmost placement, unchanged base first): chr2-178574766-GT-G. GRCh37 (hg19) VCF-style: chr2-179439493-GT-G.
Other names: c.63661del, p.Thr21221fs (NM_133378.4); c.44545del, p.Thr14849fs (NM_133432.3); c.44746del, p.Thr14916fs (NM_133437.4); c.66442del, p.Thr22148fs (NM_001256850.1); c.44170del, p.Thr14724fs (NM_003319.4); short protein forms T14724fs, T14849fs, T14916fs, T21221fs, T22148fs, T23789fs.
Identifiers: ClinVar variation 3757442 (VCV003757442.2).

ClinVar aggregate classification (germline): Likely pathogenic (1 of 4 stars; one submission).

Conditions:
Dilated cardiomyopathy 1G (CMD1G). Identifiers: Orphanet 154, MedGen C1858763, MONDO:0011400, OMIM 604145.
Autosomal recessive limb-girdle muscular dystrophy type 2J (LGMDR10). Also called: Limb-girdle muscular dystrophy, type 2J; MUSCULAR DYSTROPHY, LIMB-GIRDLE, AUTOSOMAL RECESSIVE 10. Identifiers: Orphanet 140922, MedGen C1837342, MONDO:0012127, OMIM 608807.

Submission:

Labcorp Genetics (formerly Invitae), Labcorp
Classification: Likely pathogenic for Dilated cardiomyopathy 1G; Autosomal recessive limb-girdle muscular dystrophy type 2J. Last evaluated: 2026-01-20. Review status: criteria provided, single submitter. Criteria: Invitae Variant Classification Sherloc (09022015). Collection method: clinical testing. Allele origin: germline.
Comment: This sequence change creates a premature translational stop signal (p.Thr23789Profs*7) in the TTN gene. While this is not anticipated to result in nonsense mediated decay, it is expected to create a truncated TTN protein. This variant is not present in population databases (gnomAD no frequency). This variant has not been reported in the literature in individuals affected with TTN-related conditions. ClinVar contains an entry for this variant (Variation ID: 3757442). This variant is located in the A band of TTN (PMID: 25589632). Truncating variants in this region are significantly overrepresented in patients affected with dilated cardiomyopathy (PMID: 25589632). Truncating variants in this region have also been reported in individuals affected with autosomal recessive centronuclear myopathy (PMID: 23975875). In summary, the currently available evidence indicates that the variant is pathogenic, but additional data are needed to prove that conclusively. Therefore, this variant has been classified as Likely Pathogenic.

Literature cited by the submitters: PubMed 25589632; PubMed 23975875.